The following is an entry in ClinVar:

NM_000051.4(ATM):c.3044A>C (p.Gln1015Pro)

Gene: ATM (ATM serine/threonine kinase; plus strand). Cytogenetic location: 11q22.3.
Variant type: single nucleotide variant.
Coding change: c.3044A>C on transcript NM_000051.4 (MANE Select); coding-DNA position 3044, A replaced by C.
Protein change: p.Gln1015Pro; replaces glutamine 1015 with proline.
Molecular consequence: missense variant.
Genome position (GRCh38, 1-based): chr11:108,271,373, A>C. VCF-style: chr11-108271373-A-C. GRCh37 (hg19) VCF-style: chr11-108142100-A-C.
Other names: c.3044A>C, p.Gln1015Pro (NM_001351834.2); short protein forms Q1015P.
Identifiers: ClinVar variation 1418535 (VCV001418535.8), dbSNP rs587778070, ClinGen allele CA382547580.

ClinVar aggregate classification (germline): Uncertain significance (1 of 4 stars; one submission).

Conditions:
Ataxia-telangiectasia syndrome (AT). Also called: LOUIS-BAR SYNDROME; Cerebello-oculocutaneous telangiectasia; Immunodeficiency with ataxia telangiectasia; ATAXIA-TELANGIECTASIA, COMPLEMENTATION GROUP A; ATAXIA-TELANGIECTASIA, FRESNO VARIANT; Ataxia-telangiectasia, complementation group D. Identifiers: Orphanet 100, MedGen C0004135, MONDO:0008840, OMIM 208900.

Submission:

Labcorp Genetics (formerly Invitae), Labcorp
Classification: Uncertain significance for Ataxia-telangiectasia syndrome. Last evaluated: 2021-05-31. Review status: criteria provided, single submitter. Criteria: Invitae Variant Classification Sherloc (09022015). Collection method: clinical testing. Allele origin: germline.
Comment: This variant has not been reported in the literature in individuals with ATM-related conditions. This variant is not present in population databases (ExAC no frequency). This sequence change replaces glutamine with proline at codon 1015 of the ATM protein (p.Gln1015Pro). The glutamine residue is moderately conserved and there is a moderate physicochemical difference between glutamine and proline. Advanced modeling of protein sequence and biophysical properties (such as structural, functional, and spatial information, amino acid conservation, physicochemical variation, residue mobility, and thermodynamic stability) performed at Invitae indicates that this missense variant is not expected to disrupt ATM protein function. In summary, the available evidence is currently insufficient to determine the role of this variant in disease. Therefore, it has been classified as a Variant of Uncertain Significance.